The following is an entry in ClinVar:

ClinVar aggregate classification (germline): Conflicting classifications of pathogenicity. Review status: criteria provided, conflicting classifications (1 of 4 stars). 6 submissions from 6 submitters: Uncertain significance (4); Likely benign (2). Last evaluated 2025-09-23.

Conditions:
Hereditary cancer-predisposing syndrome. Also called: Tumor predisposition; Hereditary neoplastic syndrome; Neoplastic Syndromes, Hereditary; Hereditary Cancer Syndrome. Identifiers: Orphanet 140162, MedGen C0027672, MeSH D009386, MONDO:0015356.
Hereditary breast ovarian cancer syndrome. Also called: Hereditary breast and ovarian cancer; Hereditary breast and/or ovarian cancer syndrome; Hereditary breast and ovarian cancer syndrome; Hereditary breast and ovarian cancer syndrome (HBOC); BRCA1- and BRCA2-Associated Hereditary Breast and Ovarian Cancer; Breast and ovarian cancer. Identifiers: Orphanet 145, MedGen C0677776, MeSH D061325, MONDO:0003582. Disease mechanism: loss of function.

Allele frequency attached by ClinVar (database versions not stated): gnomAD exomes 0.00001.
gnomAD v4.1: 9 of 1,605,130 alleles (0.00056%); highest among the groups gnomAD compares: South Asian, 0.0079%; no homozygotes.

Submissions (6):

Labcorp Genetics (formerly Invitae), Labcorp
Classification: Uncertain significance for Hereditary breast ovarian cancer syndrome. Last evaluated: 2025-09-23. Review status: criteria provided, single submitter. Criteria: Invitae Variant Classification Sherloc (09022015). Collection method: clinical testing. Allele origin: germline.
Comment: This sequence change replaces asparagine, which is neutral and polar, with serine, which is neutral and polar, at codon 2134 of the BRCA2 protein (p.Asn2134Ser). This variant is not present in population databases (gnomAD no frequency). This variant has not been reported in the literature in individuals affected with BRCA2-related conditions. ClinVar contains an entry for this variant (Variation ID: 950493). Invitae Evidence Modeling of protein sequence and biophysical properties (such as structural, functional, and spatial information, amino acid conservation, physicochemical variation, residue mobility, and thermodynamic stability) indicates that this missense variant is not expected to disrupt BRCA2 protein function with a negative predictive value of 95%. In summary, the available evidence is currently insufficient to determine the role of this variant in disease. Therefore, it has been classified as a Variant of Uncertain Significance.

Quest Diagnostics Nichols Institute San Juan Capistrano
Classification: Uncertain significance. Last evaluated: 2025-06-16. Review status: criteria provided, single submitter. Criteria: Quest Diagnostics criteria. Collection method: clinical testing. Allele origin: unknown.
Comment: The BRCA2 c.6401A>G (p.Asn2134Ser) variant has not been reported in individuals with BRCA2-related conditions in the published literature. It also has not been reported in large, multi-ethnic general populations (Genome Aggregation Database). Analysis of this variant using bioinformatics tools for the prediction of the effect of amino acid changes on protein structure and function yielded benign findings. Based on the available information, we are unable to determine the clinical significance of this variant.

Color Diagnostics, LLC DBA Color Health
Classification: Uncertain significance for Hereditary cancer-predisposing syndrome. Last evaluated: 2024-08-05. Review status: criteria provided, single submitter. Criteria: ACMG Guidelines, 2015. Collection method: clinical testing. Allele origin: germline.
Comment: This missense variant replaces asparagine with serine at codon 2134 of the BRCA2 protein. Computational prediction suggests that this variant may not impact protein structure and function. To our knowledge, functional studies have not been reported for this variant. This variant has not been reported in individuals affected with BRCA2-related disorders in the literature. This variant has not been identified in the general population by the Genome Aggregation Database (gnomAD). The available evidence is insufficient to determine the role of this variant in disease conclusively. Therefore, this variant is classified as a Variant of Uncertain Significance.

Revvity Omics, Revvity
Classification: Uncertain significance. Last evaluated: 2023-10-27. Review status: criteria provided, single submitter. Criteria: ACMG Guidelines, 2015. Collection method: clinical testing. Allele origin: germline.

University of Washington Department of Laboratory Medicine, University of Washington
Classification: Likely benign for Hereditary cancer-predisposing syndrome. Last evaluated: 2023-03-23. Review status: criteria provided, single submitter. Criteria: Dines et al. (Genet Med. 2020). Collection method: curation. Allele origin: germline.
Comment: Missense variant in a coldspot region where missense variants are very unlikely to be pathogenic (PMID:31911673).

BRCA2 exon 11 coldspot. Reclassification based on statistical prior probability.

Ambry Genetics
Classification: Likely benign for Hereditary cancer-predisposing syndrome. Last evaluated: 2022-02-06. Review status: criteria provided, single submitter. Criteria: Ambry Variant Classification Scheme 2023. Collection method: clinical testing. Allele origin: germline.

NM_000059.4(BRCA2):c.6401A>G (p.Asn2134Ser)

Gene: BRCA2 (BRCA2 DNA repair associated; plus strand). Cytogenetic location: 13q13.1.
Variant type: single nucleotide variant.
Coding change: c.6401A>G on transcript NM_000059.4 (MANE Select); coding-DNA position 6401, A replaced by G.
Protein change: p.Asn2134Ser; replaces asparagine 2134 with serine.
Molecular consequence: missense variant.
Genome position (GRCh38, 1-based): chr13:32,340,756, A>G. VCF-style: chr13-32340756-A-G. GRCh37 (hg19) VCF-style: chr13-32914893-A-G.
Other names: short protein forms N2134S.
Identifiers: ClinVar variation 950493 (VCV000950493.14), dbSNP rs2072554340, ClinGen allele CA387789238.